The following is an entry in ClinVar:

NM_201384.3(PLEC):c.1901A>G (p.Glu634Gly)

Gene: PLEC (plectin; minus strand). Cytogenetic location: 8q24.3.
Variant type: single nucleotide variant.
Coding change: c.1901A>G on transcript NM_201384.3 (MANE Select); coding-DNA position 1901, A replaced by G.
Protein change: p.Glu634Gly; replaces glutamic acid 634 with glycine.
Molecular consequence: missense variant.
Genome position (GRCh38, 1-based): chr8:143,932,476, T>C on the plus strand (A>G on the coding strand, the complement: PLEC is on the minus strand). VCF-style: chr8-143932476-T-C. GRCh37 (hg19) VCF-style: chr8-145006644-T-C.
Other names: p.Glu661Gly; c.1982A>G (NM_000445.4, NM_000445.3); c.1982A>G, p.Glu661Gly (NM_000445.5, NM_001410941.1); c.1859A>G, p.Glu620Gly (NM_201378.4); c.1835A>G, p.Glu612Gly (NM_201379.3); c.2312A>G, p.Glu771Gly (NM_201380.4); c.1805A>G, p.Glu602Gly (NM_201381.3); c.1901A>G, p.Glu634Gly (NM_201382.4); and 1 more; short protein forms E620G, E771G, E602G, E612G, E634G, E638G, E661G.
Identifiers: ClinVar variation 2031942 (VCV002031942.7), dbSNP rs199910537, ClinGen allele CA4927799.

ClinVar aggregate classification (germline): Uncertain significance. Review status: criteria provided, multiple submitters, no conflicts (2 of 4 stars). 4 submissions from 4 submitters: Uncertain significance (4). Last evaluated 2025-12-10.

Conditions:
PLEC-related disorder. Also called: PLEC-related condition; PLEC-related disorders.
Epidermolysis bullosa simplex, Ogna type (EBS5A). Also called: EPIDERMOLYSIS BULLOSA SIMPLEX 5A, OGNA TYPE; Pidermolysis bullosa simplex 5A, Ogna type. Identifiers: Orphanet 79401, MedGen C0432317, MONDO:0007555, OMIM 131950.
Epidermolysis bullosa simplex 5C, with pyloric atresia (EBS5C). Also called: PLEC1-Related Epidermolysis Bullosa with Pyloric Atresia; PLEC-Related Epidermolysis Bullosa with Pyloric Atresia; Epidermolysis bullosa simplex with pyloric atresia. Identifiers: Orphanet 158684, MedGen C2677349, MONDO:0012807, OMIM 612138.
Autosomal recessive limb-girdle muscular dystrophy type 2Q (LGMDR17). Also called: MUSCULAR DYSTROPHY, LIMB-GIRDLE, AUTOSOMAL RECESSIVE 17. Identifiers: Orphanet 254361, MedGen C3150989, MONDO:0013390, OMIM 613723.
Epidermolysis bullosa simplex 5B, with muscular dystrophy (EBS5B). Also called: EPIDERMOLYSIS BULLOSA SIMPLEX AND LIMB-GIRDLE MUSCULAR DYSTROPHY; Epidermolysis bullosa simplex with muscular dystrophy. Identifiers: Orphanet 257, MedGen C2931072, MONDO:0009181, OMIM 226670.
Epidermolysis bullosa simplex with nail dystrophy (EBS5D). Identifiers: MedGen C4225309, MONDO:0014661, OMIM 616487.
Inborn genetic diseases. Identifiers: MedGen C0950123, MeSH D030342.

Allele frequency attached by ClinVar (database versions not stated): gnomAD 0.00024; ESP Exome Variant Server 0.00032; gnomAD exomes 0.00003; ExAC 0.00009; 1000 Genomes Project 30x 0.00016; 1000 Genomes Project 0.00020; TOPMed 0.00022.

Submissions (4):

Labcorp Genetics (formerly Invitae), Labcorp
Classification: Uncertain significance for Autosomal recessive limb-girdle muscular dystrophy type 2Q; Epidermolysis bullosa simplex, Ogna type; Epidermolysis bullosa simplex with nail dystrophy; Epidermolysis bullosa simplex 5C, with pyloric atresia; Epidermolysis bullosa simplex 5B, with muscular dystrophy. Last evaluated: 2025-12-10. Review status: criteria provided, single submitter. Criteria: Invitae Variant Classification Sherloc (09022015). Collection method: clinical testing. Allele origin: germline.
Comment: This sequence change replaces glutamic acid, which is acidic and polar, with glycine, which is neutral and non-polar, at codon 661 of the PLEC protein (p.Glu661Gly). This variant is present in population databases (rs199910537, gnomAD 0.09%). This variant has not been reported in the literature in individuals affected with PLEC-related conditions. ClinVar contains an entry for this variant (Variation ID: 2031942). Invitae Evidence Modeling of protein sequence and biophysical properties (such as structural, functional, and spatial information, amino acid conservation, physicochemical variation, residue mobility, and thermodynamic stability) indicates that this missense variant is expected to disrupt PLEC protein function with a positive predictive value of 80%. In summary, the available evidence is currently insufficient to determine the role of this variant in disease. Therefore, it has been classified as a Variant of Uncertain Significance.

Mayo Clinic Laboratories, Mayo Clinic
Classification: Uncertain significance. Last evaluated: 2025-08-24. Review status: criteria provided, single submitter. Criteria: ACMG Guidelines, 2015. Collection method: clinical testing. Allele origin: germline. Observed: 1 variant allele.

PreventionGenetics, part of Exact Sciences
Classification: Uncertain significance for PLEC-related condition. Last evaluated: 2025-02-17. Review status: criteria provided, single submitter. Criteria: ACMG Guidelines, 2015. Collection method: clinical testing. Allele origin: germline.
Comment: The PLEC c.1982A>G variant is predicted to result in the amino acid substitution p.Glu661Gly. To our knowledge, this variant has not been reported in the literature. This variant is reported in 0.088% of alleles in individuals of African descent in gnomAD. Although we suspect that this variant may be benign, at this time, the clinical significance of this variant is uncertain due to the absence of conclusive functional and genetic evidence.

Ambry Genetics
Classification: Uncertain significance for Inborn genetic diseases. Last evaluated: 2024-06-13. Review status: criteria provided, single submitter. Criteria: Ambry Variant Classification Scheme 2023. Collection method: clinical testing. Allele origin: germline.